The following is an entry in ClinVar:

NM_001365536.1(SCN9A):c.67A>T (p.Ile23Phe)

Gene: SCN9A (sodium voltage-gated channel alpha subunit 9; minus strand). Cytogenetic location: 2q24.3.
Variant type: single nucleotide variant.
Coding change: c.67A>T on transcript NM_001365536.1 (MANE Select); coding-DNA position 67, A replaced by T.
Protein change: p.Ile23Phe; replaces isoleucine 23 with phenylalanine.
Molecular consequence: missense variant.
Genome position (GRCh38, 1-based): chr2:166,311,690, T>A on the plus strand (A>T on the coding strand, the complement: SCN9A is on the minus strand). VCF-style: chr2-166311690-T-A. GRCh37 (hg19) VCF-style: chr2-167168200-T-A.
Other names: c.67A>T, p.Ile23Phe (NM_002977.4); short protein forms I23F.
Identifiers: ClinVar variation 2938943 (VCV002938943.3), dbSNP rs2105227146, ClinGen allele CA349096184.

ClinVar aggregate classification (germline): Uncertain significance (1 of 4 stars; one submission).

Conditions:
Neuropathy, hereditary sensory and autonomic, type 2A (HSAN2A). Also called: ACROOSTEOLYSIS, GIACCAI TYPE; ACROOSTEOLYSIS, NEUROGENIC; MORVAN DISEASE; NEUROPATHY, CONGENITAL SENSORY; NEUROPATHY, HEREDITARY SENSORY RADICULAR, AUTOSOMAL RECESSIVE; NEUROPATHY, HEREDITARY SENSORY, TYPE IIA. Identifiers: Orphanet 970, MedGen C2752089, MONDO:0024309, OMIM 201300.
Generalized epilepsy with febrile seizures plus, type 7 (GEFSP7). Also called: GEFS+, TYPE 7. Identifiers: Orphanet 36387, MedGen C2751778, MONDO:0013470, OMIM 613863.

gnomAD v4.1: 2 of 1,613,464 alleles (0.00012%); highest among the groups gnomAD compares: South Asian, 0.0022%; no homozygotes.

Submission:

Labcorp Genetics (formerly Invitae), Labcorp
Classification: Uncertain significance for Neuropathy, hereditary sensory and autonomic, type 2A; Generalized epilepsy with febrile seizures plus, type 7. Last evaluated: 2023-10-17. Review status: criteria provided, single submitter. Criteria: Invitae Variant Classification Sherloc (09022015). Collection method: clinical testing. Allele origin: germline.
Comment: This sequence change replaces isoleucine, which is neutral and non-polar, with phenylalanine, which is neutral and non-polar, at codon 23 of the SCN9A protein (p.Ile23Phe). This variant is not present in population databases (gnomAD no frequency). This variant has not been reported in the literature in individuals affected with SCN9A-related conditions. Advanced modeling of protein sequence and biophysical properties (such as structural, functional, and spatial information, amino acid conservation, physicochemical variation, residue mobility, and thermodynamic stability) has been performed at Invitae for this missense variant, however the output from this modeling did not meet the statistical confidence thresholds required to predict the impact of this variant on SCN9A protein function. In summary, the available evidence is currently insufficient to determine the role of this variant in disease. Therefore, it has been classified as a Variant of Uncertain Significance.